The following is an entry in ClinVar:

NM_000751.3(CHRND):c.79C>T (p.Arg27Trp)

Gene: CHRND (cholinergic receptor nicotinic delta subunit; plus strand). Cytogenetic location: 2q37.1.
Variant type: single nucleotide variant.
Coding change: c.79C>T on transcript NM_000751.3 (MANE Select); coding-DNA position 79, C replaced by T.
Protein change: p.Arg27Trp; replaces arginine 27 with tryptophan.
Molecular consequence: missense variant. On other transcripts: 5 prime UTR variant (2).
Genome position (GRCh38, 1-based): chr2:232,526,555, C>T. VCF-style: chr2-232526555-C-T. GRCh37 (hg19) VCF-style: chr2-233391265-C-T.
Other names: c.79C>T, p.Arg27Trp (NM_001256657.2); c.-193C>T (NM_001311195.2, NM_001311196.2); c.79C>T (NM_000751.2); short protein forms R27W.
Identifiers: ClinVar variation 2197340 (VCV002197340.5), dbSNP rs200921489, ClinGen allele CA2167892.

ClinVar aggregate classification (germline): Uncertain significance. Review status: criteria provided, multiple submitters, no conflicts (2 of 4 stars). 2 submissions from 2 submitters: Uncertain significance (2). Last evaluated 2024-10-30.

Conditions:
Lethal multiple pterygium syndrome (LMPS). Identifiers: Orphanet 33108, MedGen C1854678, MONDO:0009668, OMIM 253290.
CHRND-related disorder. Also called: CHRND-related condition; CHRND-Related Disorders.

Allele frequency attached by ClinVar (database versions not stated): gnomAD exomes 0.00001; gnomAD 0.00002; TOPMed 0.00003; ExAC 0.00005; 1000 Genomes Project 30x 0.00016; 1000 Genomes Project 0.00020.

Submissions (2):

PreventionGenetics, part of Exact Sciences
Classification: Uncertain significance for CHRND-related condition. Last evaluated: 2024-10-30. Review status: criteria provided, single submitter. Criteria: ACMG Guidelines, 2015. Collection method: clinical testing. Allele origin: germline.
Comment: The CHRND c.79C>T variant is predicted to result in the amino acid substitution p.Arg27Trp. To our knowledge, this variant has not been reported in the literature. This variant is reported in 0.020% of alleles in individuals of South Asian descent in gnomAD. At this time, the clinical significance of this variant is uncertain due to the absence of conclusive functional and genetic evidence.

Labcorp Genetics (formerly Invitae), Labcorp
Classification: Uncertain significance for Lethal multiple pterygium syndrome. Last evaluated: 2024-04-24. Review status: criteria provided, single submitter. Criteria: Invitae Variant Classification Sherloc (09022015). Collection method: clinical testing. Allele origin: germline.
Comment: This sequence change replaces arginine, which is basic and polar, with tryptophan, which is neutral and slightly polar, at codon 27 of the CHRND protein (p.Arg27Trp). This variant is present in population databases (rs200921489, gnomAD 0.02%). This variant has not been reported in the literature in individuals affected with CHRND-related conditions. ClinVar contains an entry for this variant (Variation ID: 2197340). Advanced modeling of protein sequence and biophysical properties (such as structural, functional, and spatial information, amino acid conservation, physicochemical variation, residue mobility, and thermodynamic stability) performed at Invitae indicates that this missense variant is expected to disrupt CHRND protein function with a positive predictive value of 80%. In summary, the available evidence is currently insufficient to determine the role of this variant in disease. Therefore, it has been classified as a Variant of Uncertain Significance.